The following is an entry in ClinVar:

ClinVar aggregate classification (germline): Benign. Review status: criteria provided, multiple submitters, no conflicts (2 of 4 stars). 3 submissions from 3 submitters: Benign (2). 1 of the submissions does not count toward it. Last evaluated 2026-01-20.

Allele frequency attached by ClinVar (database versions not stated): gnomAD exomes 0.00092 and 0.00237; ExAC 0.00287; gnomAD 0.00952 and 0.01038; 1000 Genomes Project 0.00998; ESP Exome Variant Server 0.01038; 1000 Genomes Project 30x 0.01046; TOPMed 0.01056.
gnomAD v4.1: 2,838 of 1,608,438 alleles (0.18%); highest among the groups gnomAD compares: African/African-American, 3.4%; 47 homozygotes.

Submissions (3):

Labcorp Genetics (formerly Invitae), Labcorp
Classification: Benign. Last evaluated: 2026-01-20. Review status: criteria provided, single submitter. Criteria: Invitae Variant Classification Sherloc (09022015). Collection method: clinical testing. Allele origin: germline.

Breakthrough Genomics
Classification: Benign. Review status: criteria provided, single submitter. Criteria: ACMG Guidelines, 2015. Collection method: not provided. Allele origin: germline. Inheritance: Autosomal dominant inheritance. Affected: yes.

ITMI
No classification provided. Condition: AllHighlyPenetrant. Last evaluated: 2013-09-19. Review status: no classification provided. Collection method: reference population. Allele origin: germline. Not counted in ClinVar's aggregate classification.
Comment: Please see associated publication for description of ethnicities

Literature cited by the submitters: PubMed 24728327 (cited by ITMI).

NM_170606.3(KMT2C):c.181A>G (p.Thr61Ala)

Gene: KMT2C (lysine methyltransferase 2C; minus strand). Cytogenetic location: 7q36.1.
Variant type: single nucleotide variant.
Coding change: c.181A>G on transcript NM_170606.3 (MANE Select); coding-DNA position 181, A replaced by G.
Protein change: p.Thr61Ala; replaces threonine 61 with alanine.
Molecular consequence: missense variant.
Genome position (GRCh38, 1-based): chr7:152,358,656, T>C on the plus strand (A>G on the coding strand, the complement: KMT2C is on the minus strand). VCF-style: chr7-152358656-T-C. GRCh37 (hg19) VCF-style: chr7-152055741-T-C.
Other names: short protein forms T61A.
Identifiers: ClinVar variation 134744 (VCV000134744.10), dbSNP rs111826855, ClinGen allele CA160661.
Genomic context (GRCh38, chr7:152,358,656, plus strand): 5'-CAATCGTTTCTGTTTCTGTTGTCTCCAGCCCATCCATGCTGTCCTCATCTTCCACTGCAG[T>C]TTTCCCCCTACTTCGAGGTCTACAGAAAAAAAAAAAAATAATAAGTACATAGAGTTAAAT-3'
Protein context (NP_733751.2, residues 51-71): ARKKPRSRGK[Thr61Ala]AVEDEDSMDG